The following is an entry in ClinVar:

NM_001853.4(COL9A3):c.1108-3T>C

Gene: COL9A3 (collagen type IX alpha 3 chain; plus strand). Cytogenetic location: 20q13.33.
Variant type: single nucleotide variant.
Coding change: c.1108-3T>C on transcript NM_001853.4 (MANE Select); 3 bases into the intron before coding-DNA position 1108, T replaced by C.
Molecular consequence: intron variant.
Genome position (GRCh38, 1-based): chr20:62,829,763, T>C. VCF-style: chr20-62829763-T-C. GRCh37 (hg19) VCF-style: chr20-61461115-T-C.
Identifiers: ClinVar variation 2096565 (VCV002096565.4), dbSNP rs2516059356, ClinGen allele CA2580098378.

ClinVar aggregate classification (germline): Uncertain significance (1 of 4 stars; one submission).

Submission:

Labcorp Genetics (formerly Invitae), Labcorp
Classification: Uncertain significance. Last evaluated: 2022-02-25. Review status: criteria provided, single submitter. Criteria: Invitae Variant Classification Sherloc (09022015). Collection method: clinical testing. Allele origin: germline.
Comment: In summary, the available evidence is currently insufficient to determine the role of this variant in disease. Therefore, it has been classified as a Variant of Uncertain Significance. Variants that disrupt the consensus splice site are a relatively common cause of aberrant splicing (PMID: 17576681, 9536098). Algorithms developed to predict the effect of sequence changes on RNA splicing suggest that this variant is not likely to affect RNA splicing. This variant has not been reported in the literature in individuals affected with COL9A3-related conditions. This variant is not present in population databases (gnomAD no frequency). This sequence change falls in intron 21 of the COL9A3 gene. It does not directly change the encoded amino acid sequence of the COL9A3 protein. It affects a nucleotide within the consensus splice site.

Literature cited by the submitters: PubMed 17576681; PubMed 9536098.